The following is an entry in ClinVar:

ClinVar aggregate classification (germline): Likely benign. Review status: criteria provided, multiple submitters, no conflicts (2 of 4 stars). 3 submissions from 3 submitters: Likely benign (3). Last evaluated 2025-01-01.

Conditions:
Inborn genetic diseases. Identifiers: MedGen C0950123, MeSH D030342.

Allele frequency attached by ClinVar (database versions not stated): gnomAD exomes 0.00007; gnomAD 0.00008; TOPMed 0.00010; ExAC 0.00021.
gnomAD v4.1: 109 of 1,583,418 alleles (0.0069%); highest among the groups gnomAD compares: Non-Finnish European, 0.0092%; no homozygotes.

Submissions (3):

CeGaT Center for Human Genetics Tuebingen
Classification: Likely benign. Last evaluated: 2025-01-01. Review status: criteria provided, single submitter. Criteria: CeGaT Center For Human Genetics Tuebingen Variant Classification Criteria Version 2. Collection method: clinical testing. Allele origin: germline. Affected: yes. Observed: 1 variant allele.
Comment: KDM6B: BS1

Blueprint Genetics
Classification: Likely benign. Last evaluated: 2024-11-25. Review status: criteria provided, single submitter. Criteria: ACMG Guidelines, 2015. Collection method: clinical testing. Allele origin: germline.

Ambry Genetics
Classification: Likely benign for Inborn genetic diseases. Last evaluated: 2022-05-26. Review status: criteria provided, single submitter. Criteria: Ambry Variant Classification Scheme 2023. Collection method: clinical testing. Allele origin: germline.

NM_001348716.2(KDM6B):c.2701C>T (p.Pro901Ser)

Gene: KDM6B (lysine demethylase 6B; plus strand). Cytogenetic location: 17p13.1.
Variant type: single nucleotide variant.
Coding change: c.2701C>T on transcript NM_001348716.2 (MANE Select); coding-DNA position 2701, C replaced by T.
Protein change: p.Pro901Ser; replaces proline 901 with serine.
Molecular consequence: missense variant.
Genome position (GRCh38, 1-based): chr17:7,848,989, C>T. VCF-style: chr17-7848989-C-T. GRCh37 (hg19) VCF-style: chr17-7752307-C-T.
Other names: c.2701C>T, p.Pro901Ser (NM_001080424.2); short protein forms P901S.
Identifiers: ClinVar variation 2354271 (VCV002354271.16), dbSNP rs764195526, ClinGen allele CA8360978.